The following is an entry in ClinVar:

ClinVar aggregate classification (germline): Pathogenic (1 of 4 stars; one submission).

Conditions:
Alstrom syndrome (ALMS). Identifiers: Orphanet 64, MedGen C0268425, MONDO:0008763, OMIM 203800.

gnomAD v4.1: 2 of 1,614,058 alleles (0.00012%); highest among the groups gnomAD compares: South Asian, 0.0022%; no homozygotes.

Submission:

Labcorp Genetics (formerly Invitae), Labcorp
Classification: Pathogenic for Alstrom syndrome. Last evaluated: 2022-03-15. Review status: criteria provided, single submitter. Criteria: Invitae Variant Classification Sherloc (09022015). Collection method: clinical testing. Allele origin: germline.
Comment: This sequence change creates a premature translational stop signal (p.Ser2416*) in the ALMS1 gene. It is expected to result in an absent or disrupted protein product. Loss-of-function variants in ALMS1 are known to be pathogenic (PMID: 17594715). This variant is present in population databases (no rsID available, gnomAD 0.003%). This variant has not been reported in the literature in individuals affected with ALMS1-related conditions. For these reasons, this variant has been classified as Pathogenic.

Literature cited by the submitters: PubMed 17594715.

NM_001378454.1(ALMS1):c.7244C>G (p.Ser2415Ter)

Gene: ALMS1 (ALMS1 centrosome and basal body associated protein; plus strand). Cytogenetic location: 2p13.1.
Variant type: single nucleotide variant.
Coding change: c.7244C>G on transcript NM_001378454.1 (MANE Select); coding-DNA position 7244, C replaced by G.
Protein change: p.Ser2415Ter; replaces serine 2415 with a stop codon.
Molecular consequence: nonsense.
Genome position (GRCh38, 1-based): chr2:73,453,771, C>G. VCF-style: chr2-73453771-C-G. GRCh37 (hg19) VCF-style: chr2-73680898-C-G.
Other names: c.7247C>G, p.Ser2416Ter (NM_015120.4); short protein forms S2415*, S2416*.
Identifiers: ClinVar variation 2112735 (VCV002112735.4), dbSNP rs1060500039, ClinGen allele CA347291844.